The following is an entry in ClinVar:

ClinVar aggregate classification (germline): Uncertain significance (1 of 4 stars; one submission).

Conditions:
Inborn genetic diseases. Identifiers: MedGen C0950123, MeSH D030342.

Submission:

Ambry Genetics
Classification: Uncertain significance for Inborn genetic diseases. Last evaluated: 2025-04-03. Review status: criteria provided, single submitter. Criteria: Ambry Variant Classification Scheme 2023. Collection method: clinical testing. Allele origin: germline.
Comment: The p.D789N variant (also known as c.2365G>A), located in coding exon 14 of the FANCM gene, results from a G to A substitution at nucleotide position 2365. The aspartic acid at codon 789 is replaced by asparagine, an amino acid with highly similar properties. This amino acid position is conserved. In addition, this alteration is predicted to be tolerated by in silico analysis. Based on the available evidence, the clinical significance of this variant remains unclear.

NM_020937.4(FANCM):c.2365G>A (p.Asp789Asn)

Gene: FANCM (FA complementation group M; plus strand). Cytogenetic location: 14q21.2.
Variant type: single nucleotide variant.
Coding change: c.2365G>A on transcript NM_020937.4 (MANE Select); coding-DNA position 2365, G replaced by A.
Protein change: p.Asp789Asn; replaces aspartic acid 789 with asparagine.
Molecular consequence: missense variant.
Genome position (GRCh38, 1-based): chr14:45,175,119, G>A. VCF-style: chr14-45175119-G-A. GRCh37 (hg19) VCF-style: chr14-45644322-G-A.
Other names: c.2287G>A, p.Asp763Asn (NM_001308133.2); short protein forms D763N, D789N.
Identifiers: ClinVar variation 4022645 (VCV004022645.1).
Genomic context (GRCh38, chr14:45,175,119, plus strand): 5'-CCTTATTTATAGGGAGAATGCAGCTATGAATTGGAAGTTGAATCTTATTTACAAATGGAA[G>A]ATGTTACCTCAACATTTATTGCTCCCAGGAATGAATCTAATAATCTTGCCAGTGACACCT-3'
Protein context (NP_065988.1, residues 779-799): LEVESYLQME[Asp789Asn]VTSTFIAPRN